The following is an entry in ClinVar:

NM_032856.5(WDR73):c.480C>T (p.Val160=)

Gene: WDR73 (WD repeat domain 73; minus strand). Cytogenetic location: 15q25.2.
Variant type: single nucleotide variant.
Coding change: c.480C>T on transcript NM_032856.5 (MANE Select); coding-DNA position 480, C replaced by T.
Protein change: p.Val160=; no amino-acid change (valine 160 retained).
Molecular consequence: synonymous variant. On other transcripts: non-coding transcript variant (4).
Genome position (GRCh38, 1-based): chr15:84,646,221, G>A on the plus strand (C>T on the coding strand, the complement: WDR73 is on the minus strand). VCF-style: chr15-84646221-G-A. GRCh37 (hg19) VCF-style: chr15-85189452-G-A.
Identifiers: ClinVar variation 729194 (VCV000729194.9), dbSNP rs201447846, ClinGen allele CA7707385.

ClinVar aggregate classification (germline): Likely benign. Review status: criteria provided, single submitter (1 of 4 stars). 2 submissions from 2 submitters: Likely benign (1). 1 of the submissions does not count toward it. Last evaluated 2026-01-05.

Conditions:
WDR73-related disorder. Also called: WDR73-related disorders; WDR73-related condition.

Allele frequency attached by ClinVar (database versions not stated): gnomAD 0.00058 and 0.00050; TOPMed 0.00069; gnomAD exomes 0.00009 and 0.00018; ExAC 0.00020; ESP Exome Variant Server 0.00057.
gnomAD v4.1: 222 of 1,613,820 alleles (0.014%); highest among the groups gnomAD compares: African/African-American, 0.11%; no homozygotes.

Submissions (2):

Labcorp Genetics (formerly Invitae), Labcorp
Classification: Likely benign. Last evaluated: 2026-01-05. Review status: criteria provided, single submitter. Criteria: Invitae Variant Classification Sherloc (09022015). Collection method: clinical testing. Allele origin: germline.

PreventionGenetics, part of Exact Sciences
Classification: Likely benign for WDR73-related condition. Last evaluated: 2019-12-26. Review status: no assertion criteria provided. Collection method: clinical testing. Allele origin: germline. Not counted in ClinVar's aggregate classification.
Comment: This variant is classified as likely benign based on ACMG/AMP sequence variant interpretation guidelines (Richards et al. 2015 PMID: 25741868, with internal and published modifications).